The following is an entry in ClinVar:

ClinVar aggregate classification (germline): Likely benign (1 of 4 stars; one submission).

Conditions:
Stuve-Wiedemann syndrome (STWS). Also called: Stüve-Wiedemann syndrome. Identifiers: Orphanet 3206, MedGen C0796176, MONDO:0031280.

Allele frequency attached by ClinVar (database versions not stated): gnomAD 0.00006 and 0.00019; TOPMed 0.00016; 1000 Genomes Project 30x 0.00047; 1000 Genomes Project 0.00060; gnomAD exomes 0.00121.
gnomAD v4.1: 102 of 219,048 alleles (0.047%); highest among the groups gnomAD compares: East Asian, 0.64%; no homozygotes.

Submission:

Illumina Laboratory Services, Illumina
Classification: Likely benign for Stüve-Wiedemann syndrome 1. Last evaluated: 2018-01-13. Review status: criteria provided, single submitter. Criteria: ICSL Variant Classification Criteria 13 December 2019. Collection method: clinical testing. Allele origin: germline.
Comment: This variant was observed in the ICSL laboratory as part of a predisposition screen in an ostensibly healthy population. It had not been previously curated by ICSL or reported in the Human Gene Mutation Database (HGMD: prior to June 1st, 2018), and was therefore a candidate for classification through an automated scoring system. Utilizing variant allele frequency, disease prevalence and penetrance estimates, and inheritance mode, an automated score was calculated to assess if this variant is too frequent to cause the disease. Based on the score and internal cut-off values, a variant classified as likely benign is not then subjected to further curation. The score for this variant resulted in a classification of likely benign for this disease.

NM_001127671.2(LIFR):c.*3851T>A

Gene: LIFR (LIF receptor subunit alpha; minus strand). Cytogenetic location: 5p13.1.
Variant type: single nucleotide variant.
Coding change: c.*3851T>A on transcript NM_001127671.2 (MANE Select); 3851 bases downstream of the stop codon, T replaced by A.
Molecular consequence: 3 prime UTR variant.
Genome position (GRCh38, 1-based): chr5:38,477,744, A>T on the plus strand (T>A on the coding strand, the complement: LIFR is on the minus strand). VCF-style: chr5-38477744-A-T. GRCh37 (hg19) VCF-style: chr5-38477846-A-T.
Other names: c.*3851T>A (NM_001364297.2, NM_001364298.2, NM_002310.6).
Identifiers: ClinVar variation 353557 (VCV000353557.5), dbSNP rs78474283, ClinGen allele CA10624776.